The following is an entry in ClinVar:

ClinVar aggregate classification (germline): Uncertain significance (1 of 4 stars; one submission).

Conditions:
Primary ciliary dyskinesia. Also called: Ciliary dyskinesia. Identifiers: Orphanet 244, MedGen C0008780, MONDO:0016575, HP:0012265.

Submission:

Labcorp Genetics (formerly Invitae), Labcorp
Classification: Uncertain significance for Primary ciliary dyskinesia. Last evaluated: 2025-06-04. Review status: criteria provided, single submitter. Criteria: Invitae Variant Classification Sherloc (09022015). Collection method: clinical testing. Allele origin: germline.
Comment: This sequence change replaces asparagine, which is neutral and polar, with aspartic acid, which is acidic and polar, at codon 1105 of the DNAH5 protein (p.Asn1105Asp). This variant is not present in population databases (gnomAD no frequency). This variant has not been reported in the literature in individuals affected with DNAH5-related conditions. Invitae Evidence Modeling of protein sequence and biophysical properties (such as structural, functional, and spatial information, amino acid conservation, physicochemical variation, residue mobility, and thermodynamic stability) indicates that this missense variant is not expected to disrupt DNAH5 protein function with a negative predictive value of 95%. In summary, the available evidence is currently insufficient to determine the role of this variant in disease. Therefore, it has been classified as a Variant of Uncertain Significance.

NM_001369.3(DNAH5):c.3313A>G (p.Asn1105Asp)

Genes: DNAH5 (dynein axonemal heavy chain 5; minus strand), DNAH5-AS1 (DNAH5 antisense RNA 1; plus strand). Cytogenetic location: 5p15.2.
Variant type: single nucleotide variant.
Coding change: c.3313A>G on transcript NM_001369.3 (MANE Select); coding-DNA position 3313, A replaced by G.
Protein change: p.Asn1105Asp; replaces asparagine 1105 with aspartic acid.
Molecular consequence: missense variant.
Genome position (GRCh38, 1-based): chr5:13,876,767, T>C on the plus strand (A>G on the coding strand, the complement: DNAH5 is on the minus strand). VCF-style: chr5-13876767-T-C. GRCh37 (hg19) VCF-style: chr5-13876876-T-C.
Other names: short protein forms N1105D.
Identifiers: ClinVar variation 4703646 (VCV004703646.1).